The following is an entry in ClinVar:

ClinVar aggregate classification (germline): Uncertain significance. Review status: criteria provided, multiple submitters, no conflicts (2 of 4 stars). 5 submissions from 5 submitters: Uncertain significance (5). Last evaluated 2026-03-11.

Conditions:
RYR1-related disorder. Also called: RYR1-related condition; RYR1-related disorders. Identifiers: MedGen CN239331.
Central core myopathy (CMYO1A). Also called: CONGENITAL MYOPATHY 1A, AUTOSOMAL DOMINANT, WITH SUSCEPTIBILITY TO MALIGNANT HYPERTHERMIA; Central core disease; Myopathy, central fibrillar. Identifiers: Orphanet 597, MedGen C5830701, MONDO:0007294, OMIM 117000.

Submissions (5):

PreventionGenetics, part of Exact Sciences
Classification: Uncertain significance for RYR1-related condition. Last evaluated: 2026-03-11. Review status: criteria provided, single submitter. Criteria: ACMG Guidelines, 2015. Collection method: clinical testing. Allele origin: germline.
Comment: The RYR1 c.12443A>C variant is predicted to result in the amino acid substitution p.Asn4148Thr. This variant has not been reported in a large population database (gnomAD), indicating this variant is rare. At PreventionGenetics, we have observed this variant in two siblings with RYR1-related disorders (internal data; Supp. Table 2. Kushnir et al. 2020. PubMed ID: 32236737). At this time, the clinical significance of this variant is uncertain due to the absence of conclusive functional and genetic evidence.

Labcorp Genetics (formerly Invitae), Labcorp
Classification: Uncertain significance for RYR1-related disorder. Last evaluated: 2025-09-08. Review status: criteria provided, single submitter. Criteria: Invitae Variant Classification Sherloc (09022015). Collection method: clinical testing. Allele origin: germline.
Comment: This sequence change replaces asparagine, which is neutral and polar, with threonine, which is neutral and polar, at codon 4148 of the RYR1 protein (p.Asn4148Thr). This variant is not present in population databases (gnomAD no frequency). This variant has not been reported in the literature in individuals affected with RYR1-related conditions. ClinVar contains an entry for this variant (Variation ID: 590403). Invitae Evidence Modeling of protein sequence and biophysical properties (such as structural, functional, and spatial information, amino acid conservation, physicochemical variation, residue mobility, and thermodynamic stability) indicates that this missense variant is expected to disrupt RYR1 protein function with a positive predictive value of 80%. In summary, the available evidence is currently insufficient to determine the role of this variant in disease. Therefore, it has been classified as a Variant of Uncertain Significance.

Genetics and Molecular Pathology, SA Pathology
Classification: Uncertain significance for Central core myopathy. Last evaluated: 2021-12-20. Review status: criteria provided, single submitter. Criteria: ACMG Guidelines, 2015. Collection method: clinical testing. Allele origin: germline. Affected: yes.

GeneDx
Classification: Uncertain significance. Last evaluated: 2021-09-17. Review status: criteria provided, single submitter. Criteria: GeneDx Variant Classification Process June 2021. Collection method: clinical testing. Allele origin: germline. Affected: yes.
Comment: Not observed in large population cohorts (Lek et al., 2016); In silico analysis supports that this missense variant has a deleterious effect on protein structure/function; Has not been previously published as pathogenic or benign to our knowledge

Revvity Omics, Revvity
Classification: Uncertain significance. Last evaluated: 2020-03-18. Review status: criteria provided, single submitter. Criteria: ACMG Guidelines, 2015. Collection method: clinical testing. Allele origin: germline.

NM_000540.3(RYR1):c.12443A>C (p.Asn4148Thr)

Gene: RYR1 (ryanodine receptor 1; plus strand). Cytogenetic location: 19q13.2.
Variant type: single nucleotide variant.
Coding change: c.12443A>C on transcript NM_000540.3 (MANE Select); coding-DNA position 12443, A replaced by C.
Protein change: p.Asn4148Thr; replaces asparagine 4148 with threonine.
Molecular consequence: missense variant.
Genome position (GRCh38, 1-based): chr19:38,561,273, A>C. VCF-style: chr19-38561273-A-C. GRCh37 (hg19) VCF-style: chr19-39051913-A-C.
Other names: c.12428A>C, p.Asn4143Thr (NM_001042723.2); short protein forms N4148T, N4143T.
Identifiers: ClinVar variation 590403 (VCV000590403.14), dbSNP rs1213878810, ClinGen allele CA405668913.
Genomic context (GRCh38, chr19:38,561,273, plus strand): 5'-CCAACCGCTTCCAGGAGCCAGCACGCGACATCGGCTTCAACGTGGCGGTGCTGCTGACCA[A>C]CCTGTCGGAGCATGTGCCGCATGACCCTCGCCTGCACAACTTCCTGGAGCTGGCCGAGAG-3'
Protein context (NP_000531.2, residues 4138-4158): IGFNVAVLLT[Asn4148Thr]LSEHVPHDPR